The following is an entry in ClinVar:

NM_032888.4(COL27A1):c.3535C>G (p.Gln1179Glu)

Gene: COL27A1 (collagen type XXVII alpha 1 chain; plus strand). Cytogenetic location: 9q32.
Variant type: single nucleotide variant.
Coding change: c.3535C>G on transcript NM_032888.4 (MANE Select); coding-DNA position 3535, C replaced by G.
Protein change: p.Gln1179Glu; replaces glutamine 1179 with glutamic acid.
Molecular consequence: missense variant.
Genome position (GRCh38, 1-based): chr9:114,269,274, C>G. VCF-style: chr9-114269274-C-G. GRCh37 (hg19) VCF-style: chr9-117031554-C-G.
Other names: c.3535C>G (NM_032888.2); short protein forms Q1179E.
Identifiers: ClinVar variation 738643 (VCV000738643.17), dbSNP rs114770711, ClinGen allele CA5202529.

ClinVar aggregate classification (germline): Conflicting classifications of pathogenicity. Review status: criteria provided, conflicting classifications (1 of 4 stars). 5 submissions from 5 submitters: Uncertain significance (2); Likely benign (2). 1 of the submissions does not count toward it. Last evaluated 2026-02-01.

Conditions:
COL27A1-related disorder. Also called: COL27A1-related condition.
Inborn genetic diseases. Identifiers: MedGen C0950123, MeSH D030342.

Allele frequency attached by ClinVar (database versions not stated): gnomAD exomes 0.00012 and 0.00043; ExAC 0.00066; gnomAD 0.00145 and 0.00152; TOPMed 0.00161; ESP Exome Variant Server 0.00231; 1000 Genomes Project 0.00260; 1000 Genomes Project 30x 0.00265.
gnomAD v4.1: 390 of 1,608,116 alleles (0.024%); highest among the groups gnomAD compares: African/African-American, 0.48%; no homozygotes.

Submissions (5):

Labcorp Genetics (formerly Invitae), Labcorp
Classification: Likely benign. Last evaluated: 2026-02-01. Review status: criteria provided, single submitter. Criteria: Invitae Variant Classification Sherloc (09022015). Collection method: clinical testing. Allele origin: germline.

Ambry Genetics
Classification: Uncertain significance for Inborn genetic diseases. Last evaluated: 2025-02-20. Review status: criteria provided, single submitter. Criteria: Ambry Variant Classification Scheme 2023. Collection method: clinical testing. Allele origin: germline.

Blueprint Genetics
Classification: Uncertain significance. Last evaluated: 2024-10-18. Review status: criteria provided, single submitter. Criteria: ACMG Guidelines, 2015. Collection method: clinical testing. Allele origin: germline.

Breakthrough Genomics
Classification: Likely benign. Review status: criteria provided, single submitter. Criteria: ACMG Guidelines, 2015. Collection method: not provided. Allele origin: germline. Inheritance: Autosomal recessive inheritance. Affected: yes.

PreventionGenetics, part of Exact Sciences
Classification: Likely benign for COL27A1-related condition. Last evaluated: 2020-01-07. Review status: no assertion criteria provided. Collection method: clinical testing. Allele origin: germline. Not counted in ClinVar's aggregate classification.
Comment: This variant is classified as likely benign based on ACMG/AMP sequence variant interpretation guidelines (Richards et al. 2015 PMID: 25741868, with internal and published modifications).